The following is an entry in ClinVar:

NM_001071.4(TYMS):c.556+1G>A

Genes: ENOSF1 (enolase superfamily member 1; minus strand), TYMS (thymidylate synthetase; plus strand). Cytogenetic location: 18p11.32.
Variant type: single nucleotide variant.
Coding change: c.556+1G>A on transcript NM_001071.4 (MANE Select); the canonical splice donor site of the intron after coding-DNA position 556, G replaced by A.
Molecular consequence: splice donor variant. On other transcripts: intron variant (1).
Genome position (GRCh38, 1-based): chr18:669,174, G>A. VCF-style: chr18-669174-G-A. GRCh37 (hg19) VCF-style: chr18-669174-G-A.
Other names: c.455-1518G>A (NM_001354867.2); c.307+1G>A (NM_001354868.2).
Identifiers: ClinVar variation 1693539 (VCV001693539.2), dbSNP rs2144335968, ClinGen allele CA401670681.

ClinVar aggregate classification (germline): Pathogenic (1 of 4 stars; one submission).

Conditions:
Dyskeratosis congenita. Identifiers: Orphanet 1775, MedGen C0265965, MONDO:0015780.

Allele frequency attached by ClinVar (database versions not stated): gnomAD exomes below 0.00001.
gnomAD v4.1: 1 of 1,613,792 alleles (0.000062%); highest among the groups gnomAD compares: African/African-American, 0.0013%; no homozygotes.

Submission:

Bone Marrow Failure laboratory, Queen Mary University London
Classification: Pathogenic for Dyskeratosis congenita. Last evaluated: 2022-06-22. Review status: criteria provided, single submitter. Criteria: ACMG Guidelines, 2015. Collection method: research. Allele origin: unknown. Inheritance: Oligogenic inheritance. Affected: yes.
Comment: The following ACMG/AMP criteria were used: PVS1, PM2_supporting, PP3